The following is an entry in ClinVar:

NM_000435.3(NOTCH3):c.6044G>T (p.Arg2015Ile)

Gene: NOTCH3 (notch receptor 3; minus strand). Cytogenetic location: 19p13.12.
Variant type: single nucleotide variant.
Coding change: c.6044G>T on transcript NM_000435.3 (MANE Select); coding-DNA position 6044, G replaced by T.
Protein change: p.Arg2015Ile; replaces arginine 2015 with isoleucine.
Molecular consequence: missense variant.
Genome position (GRCh38, 1-based): chr19:15,161,584, C>A on the plus strand (G>T on the coding strand, the complement: NOTCH3 is on the minus strand). VCF-style: chr19-15161584-C-A. GRCh37 (hg19) VCF-style: chr19-15272395-C-A.
Other names: short protein forms R2015I.
Identifiers: ClinVar variation 2430314 (VCV002430314.2), dbSNP rs2512611087, ClinGen allele CA404490695.
Genomic context (GRCh38, chr19:15,161,584, plus strand): 5'-CCGGGGGGGCTGCGGGGCCCACTGGGTTGATCCAGCAAGCGCACGATGTCCTGGTGCAGT[C>A]TCTCCTGGGCTACGTCCCGCGGCAGCCTGTCCAGGTGGTCGGTGATCTCACGGTTGGCAA-3'
Protein context (NP_000426.2, residues 2005-2025): DRLPRDVAQE[Arg2015Ile]LHQDIVRLLD

ClinVar aggregate classification (germline): Uncertain significance (1 of 4 stars; one submission).

Submission:

Centre of Medical Genetics, University Hospital Muenster
Classification: Uncertain significance. Last evaluated: 2022-08-31. Review status: criteria provided, single submitter. Criteria: ACMG Guidelines, 2015. Collection method: clinical testing. Allele origin: unknown. Affected: yes. Observed: 1 variant allele, 1 heterozygote.
Comment: ACMG categories: PM2,PP2